The following is an entry in ClinVar:

ClinVar aggregate classification (germline): Uncertain significance. Review status: criteria provided, multiple submitters, no conflicts (2 of 4 stars). 2 submissions from 2 submitters: Uncertain significance (2). Last evaluated 2026-04-01.

Conditions:
Kabuki syndrome. Also called: NIIKAWA-KUROKI SYNDROME; Kabuki make-up syndrome. Identifiers: Orphanet 2322, MedGen C0796004, MONDO:0016512.

Submissions (2):

GeneDx
Classification: Uncertain significance. Last evaluated: 2026-04-01. Review status: criteria provided, single submitter. Criteria: GeneDx Variant Classification Process June 2021. Collection method: clinical testing. Allele origin: germline.
Comment: Not observed at significant frequency in large population cohorts (gnomAD); In-frame duplication of 2 amino acid(s) in a non-repeat region; Has not been previously published as pathogenic or benign to our knowledge

Labcorp Genetics (formerly Invitae), Labcorp
Classification: Uncertain significance for Kabuki syndrome. Last evaluated: 2024-12-12. Review status: criteria provided, single submitter. Criteria: Invitae Variant Classification Sherloc (09022015). Collection method: clinical testing. Allele origin: germline.
Comment: This variant, c.11172_11177dup, results in the insertion of 2 amino acid(s) of the KMT2D protein (p.Gln3725_Gln3726dup), but otherwise preserves the integrity of the reading frame. This variant is not present in population databases (gnomAD no frequency). This variant has not been reported in the literature in individuals affected with KMT2D-related conditions. Experimental studies and prediction algorithms are not available or were not evaluated, and the functional significance of this variant is currently unknown. In summary, the available evidence is currently insufficient to determine the role of this variant in disease. Therefore, it has been classified as a Variant of Uncertain Significance.

NM_003482.4(KMT2D):c.11169GCA[5] (p.Gln3726_Arg3727insGlnGln)

Gene: KMT2D (lysine methyltransferase 2D; minus strand). Cytogenetic location: 12q13.12.
Variant type: Microsatellite.
Coding change: c.11169GCA[5] on transcript NM_003482.4 (MANE Select); five copies in a row of the 3-base unit GCA starting at c.11169; the reference has three copies in a row; two copies, 6 bases duplicated; also written c.11172_11177dup.
Protein change: p.Gln3726_Arg3727insGlnGln.
Molecular consequence: inframe insertion. On other transcripts: inframe indel (1).
Genome position (GRCh38, 1-based): chr12:49,033,528-49,033,533, TGCTGC duplicated on the plus strand (GCAGCA on the coding strand, the reverse complement: KMT2D is on the minus strand); duplicating any 6 consecutive bases within chr12:49,033,528-49,033,536 gives the same sequence; the position shown is the placement nearest the transcript's 3' end. VCF-style (leftmost placement, unchanged base first): chr12-49033527-T-TTGCTGC. GRCh37 (hg19) VCF-style: chr12-49427310-T-TTGCTGC.
Other names: c.11169_11171GCA[5], p.Gln3726_Arg3727insGlnGln (NM_003482.3); c.11172_11177dup (NM_003482.3).
Identifiers: ClinVar variation 3609620 (VCV003609620.3).